The following is an entry in ClinVar:

NM_000256.3(MYBPC3):c.1778C>T (p.Ser593Phe)

Gene: MYBPC3 (myosin binding protein C3; minus strand). Cytogenetic location: 11p11.2.
Variant type: single nucleotide variant.
Coding change: c.1778C>T on transcript NM_000256.3 (MANE Select); coding-DNA position 1778, C replaced by T.
Protein change: p.Ser593Phe; replaces serine 593 with phenylalanine.
Molecular consequence: missense variant.
Genome position (GRCh38, 1-based): chr11:47,342,003, G>A on the plus strand (C>T on the coding strand, the complement: MYBPC3 is on the minus strand). VCF-style: chr11-47342003-G-A. GRCh37 (hg19) VCF-style: chr11-47363554-G-A.
Other names: p.S593F:TCC>TTC; short protein forms S593F.
Identifiers: ClinVar variation 42564 (VCV000042564.28), dbSNP rs397515924, ClinGen allele CA011087.
Genomic context (GRCh38, chr11:47,342,003, plus strand): 5'-CTCCATCTCAGTCTCCACCTGTCCCATCCACCTGCCCTGCACACTCACCGCCCGATGTGG[G>A]ACACCTTTATGCGGCTGTCGGGCACCAGCTCCTTCCCATTCTTCAGCCACACACCCCGAA-3'
Protein context (NP_000247.2, residues 583-603): ELVPDSRIKV[Ser593Phe]HIGRVHKLTI

ClinVar aggregate classification (germline): Uncertain significance. Review status: criteria provided, multiple submitters, no conflicts (2 of 4 stars). 8 submissions from 8 submitters: Uncertain significance (8). Last evaluated 2026-01-14.

Conditions:
MYBPC3-related disorder. Also called: MYBPC3-related disorders; MYBPC3-related condition; MYBPC3-related disease.
Cardiovascular phenotype. Identifiers: MedGen CN230736.
Cardiomyopathy (CMYO). Also called: Cardiomyopathies. Identifiers: Orphanet 167848, MedGen C0878544, MONDO:0004994, HP:0001638. Inheritance: Various modes of inheritance.
Hypertrophic cardiomyopathy 4. Also called: Familial hypertrophic cardiomyopathy 4. Identifiers: MedGen C1861862, MONDO:0007268, OMIM 115197.
Hypertrophic cardiomyopathy. Also called: HYPERTROPHIC MYOCARDIOPATHY. Identifiers: Orphanet 217569, MedGen C0007194, MeSH D002312, MONDO:0005045, HP:0001639.

Allele frequency attached by ClinVar (database versions not stated): gnomAD 0.00001; gnomAD exomes 0.00001 and 0.00002; TOPMed 0.00002; ExAC 0.00003.
gnomAD v4.1: 21 of 1,569,778 alleles (0.0013%); highest among the groups gnomAD compares: Non-Finnish European, 0.0017%; no homozygotes.

Submissions (8):

PreventionGenetics, part of Exact Sciences
Classification: Uncertain significance for MYBPC3-related condition. Last evaluated: 2026-01-14. Review status: criteria provided, single submitter. Criteria: ACMG Guidelines, 2015. Collection method: clinical testing. Allele origin: germline.
Comment: The MYBPC3 c.1778C>T variant is predicted to result in the amino acid substitution p.Ser593Phe. This variant has been reported in an individual with hypertrophic cardiomyopathy (Table S1B, Walsh et al. 2017. PubMed ID: 27532257). This variant is reported in 0.0038% of alleles in individuals of Latino descent in gnomAD. At this time, the clinical significance of this variant is uncertain due to the absence of conclusive functional and genetic evidence.

Labcorp Genetics (formerly Invitae), Labcorp
Classification: Uncertain significance for Hypertrophic cardiomyopathy. Last evaluated: 2025-07-22. Review status: criteria provided, single submitter. Criteria: Invitae Variant Classification Sherloc (09022015). Collection method: clinical testing. Allele origin: germline.
Comment: This sequence change replaces serine, which is neutral and polar, with phenylalanine, which is neutral and non-polar, at codon 593 of the MYBPC3 protein (p.Ser593Phe). This variant is present in population databases (rs397515924, gnomAD 0.004%). This missense change has been observed in individual(s) with hypertrophic cardiomyopathy (HCM) (PMID: 27532257, 37652022). ClinVar contains an entry for this variant (Variation ID: 42564). An algorithm developed to predict the effect of missense changes on protein structure and function (PolyPhen-2) suggests that this variant is likely to be disruptive. In summary, the available evidence is currently insufficient to determine the role of this variant in disease. Therefore, it has been classified as a Variant of Uncertain Significance.

Color Diagnostics, LLC DBA Color Health
Classification: Uncertain significance for Cardiomyopathy. Last evaluated: 2025-07-11. Review status: criteria provided, single submitter. Criteria: ACMG Guidelines, 2015. Collection method: clinical testing. Allele origin: germline.
Comment: This missense variant replaces serine with phenylalanine at codon 593 of the MYBPC3 protein. Computational prediction suggests that this variant may not impact protein structure and function. To our knowledge, functional studies have not been reported for this variant. This variant has been reported in two individuals affected with hypertrophic cardiomyopathy (PMID: 27532257, 37652022). This variant has been identified in 3/182674 chromosomes in the general population by the Genome Aggregation Database (gnomAD). The available evidence is insufficient to determine the role of this variant in disease conclusively. Therefore, this variant is classified as a Variant of Uncertain Significance.

Clinical Genomics Laboratory, Washington University in St. Louis
Classification: Uncertain significance for Hypertrophic cardiomyopathy 4. Last evaluated: 2025-01-17. Review status: criteria provided, single submitter. Criteria: ACMG Guidelines, 2015. Collection method: clinical testing. Allele origin: germline.
Comment: The MYBPC3 c.1778C>T (p.Ser593Phe) variant has been reported in at least four individuals with hypertrophic cardiomyopathy (Alfares AA et al., PMID: 25611685; Bick AG et al., PMID: 22958901; Harper AR et al., PMID: 33495597; Ito K et al., PMID: 28679633; Walsh R et al., PMID: 27532257). This variant has been reported in the ClinVar database as a germline variant of uncertain significance by seven submitters (Variation ID: 42564). This variant is seen on 3/182,674 alleles in the general population (gnomAD v.2.1.1), indicating it is not a common variant. Computational predictors suggest that the variant does not impact MYBPC3 function. Due to conflicting information, and based on ACMG/AMP guidelines for variant interpretation (Richards S et al., PMID: 25741868), the clinical significance of the MYBPC3 c.1778C>T (p.Ser593Phe) variant is uncertain at this time.

GeneDx
Classification: Uncertain significance. Last evaluated: 2025-01-06. Review status: criteria provided, single submitter. Criteria: GeneDx Variant Classification Process June 2021. Collection method: clinical testing. Allele origin: germline. Affected: yes.
Comment: Identified in patients with HCM in published literature (PMID: 37652022, 27532257); Not observed at significant frequency in large population cohorts (gnomAD); In silico analysis supports that this missense variant has a deleterious effect on protein structure/function; This variant is associated with the following publications: (PMID: 27532257, 37652022, 22958901)

All of Us Research Program, National Institutes of Health
Classification: Uncertain significance for Hypertrophic cardiomyopathy. Last evaluated: 2023-12-01. Review status: criteria provided, single submitter. Criteria: ACMG Guidelines, 2015. Collection method: clinical testing. Allele origin: germline. Inheritance: Autosomal dominant inheritance. Observed: 4 variant alleles, 4 heterozygotes.
Comment: Variant of Uncertain Significance due to insufficient evidence: This missense variant is located in the Ig-like domain C4 of the MYBPC3 protein. Computational prediction tools and conservation analyses are inconclusive regarding the impact of this variant on the protein function. Computational splicing tools suggest that this variant may not impact RNA splicing. To our knowledge, functional assays have not been performed for this variant nor has this variant been reported in individuals affected with cardiovascular disorders in the literature. This variant has been identified in 3/179336 chromosomes in the general population by the Genome Aggregation Database (gnomAD). Available evidence is insufficient to determine the role of this variant in disease conclusively.

This study involves interpretation of variants in research participants for the purpose of population health screening. Participant phenotype was not available at the time of variant classification. Additional details can be found in publication PMID: 35346344, PMCID: PMC8962531

Ambry Genetics
Classification: Uncertain significance for Cardiovascular phenotype. Last evaluated: 2020-11-23. Review status: criteria provided, single submitter. Criteria: Ambry Variant Classification Scheme 2023. Collection method: clinical testing. Allele origin: germline.

Laboratory for Molecular Medicine, Mass General Brigham Personalized Medicine
Classification: Uncertain significance. Last evaluated: 2019-09-19. Review status: criteria provided, single submitter. Criteria: LMM Criteria. Collection method: clinical testing. Allele origin: germline. Observed: 1 variant allele.
Comment: It has also been identified in 3/182674 chromosomes by gnomAD. Computational prediction tools and conservation analyses suggest that this variant may impact the protein, though this information is not predictive enough to determine pathogenicity. In summary, the clinical significance of this variant is uncertain. ACMG/AMP Criteria applied: PM2, PP3.

Literature cited by the submitters: PubMed 27532257 (cited by Labcorp Genetics (formerly Invitae), Labcorp and Color Diagnostics, LLC DBA Color Health); PubMed 37652022 (cited by Labcorp Genetics (formerly Invitae), Labcorp and Color Diagnostics, LLC DBA Color Health).